The following is an entry in ClinVar:

ClinVar aggregate classification (germline): Conflicting classifications of pathogenicity. Review status: criteria provided, conflicting classifications (1 of 4 stars). 2 submissions from 2 submitters: Uncertain significance (1); Likely benign (1). Last evaluated 2021-12-04.

Submissions (2):

Women's Health and Genetics/Laboratory Corporation of America, LabCorp
Classification: Uncertain significance. Last evaluated: 2021-12-04. Review status: criteria provided, single submitter. Criteria: LabCorp Variant Classification Summary - May 2015. Collection method: clinical testing. Allele origin: germline.

GeneDx
Classification: Likely benign. Last evaluated: 2016-04-18. Review status: criteria provided, single submitter. Criteria: GeneDx Variant Classification (06012015). Collection method: clinical testing. Allele origin: germline. Affected: yes.
Comment: This variant is considered likely benign or benign based on one or more of the following criteria: it is a conservative change, it occurs at a poorly conserved position in the protein, it is predicted to be benign by multiple in silico algorithms, and/or has population frequency not consistent with disease.

NM_001148.6(ANK2):c.4371+19T>C

Gene: ANK2 (ankyrin 2; plus strand). Cytogenetic location: 4q26.
Variant type: single nucleotide variant.
Coding change: c.4371+19T>C on transcript NM_001148.6 (MANE Select); 19 bases into the intron after coding-DNA position 4371, T replaced by C.
Molecular consequence: intron variant.
Genome position (GRCh38, 1-based): chr4:113,346,041, T>C. VCF-style: chr4-113346041-T-C. GRCh37 (hg19) VCF-style: chr4-114267197-T-C.
Other names: c.4356+19T>C (NM_001386186.2, NM_001386148.2); c.4158+19T>C (NM_001354269.3); c.4236+19T>C (NM_001386187.2); c.4230+19T>C (NM_001386147.1, NM_001354261.2); c.4215+19T>C (NM_001386160.1); c.4320+19T>C (NM_001354254.2); c.4341+19T>C (NM_001354239.2, NM_001354252.2); c.4242+19T>C (NM_001354272.2); and 31 more.
Identifiers: ClinVar variation 385644 (VCV000385644.3), dbSNP rs1057522286, ClinGen allele CA16605033.